The following is an entry in ClinVar:

ClinVar aggregate classification (germline): Uncertain significance (1 of 4 stars; one submission).

Allele frequency attached by ClinVar (database versions not stated): TOPMed below 0.00001; gnomAD 0.00001.

Submission:

Labcorp Genetics (formerly Invitae), Labcorp
Classification: Uncertain significance. Last evaluated: 2022-02-10. Review status: criteria provided, single submitter. Criteria: Invitae Variant Classification Sherloc (09022015). Collection method: clinical testing. Allele origin: germline.
Comment: This sequence change replaces serine, which is neutral and polar, with leucine, which is neutral and non-polar, at codon 12 of the EIF2B4 protein (p.Ser12Leu). This variant is not present in population databases (gnomAD no frequency). This variant has not been reported in the literature in individuals affected with EIF2B4-related conditions. Algorithms developed to predict the effect of missense changes on protein structure and function (SIFT, PolyPhen-2, Align-GVGD) all suggest that this variant is likely to be tolerated. In summary, the available evidence is currently insufficient to determine the role of this variant in disease. Therefore, it has been classified as a Variant of Uncertain Significance.

NM_001034116.2(EIF2B4):c.35C>T (p.Ser12Leu)

Gene: EIF2B4 (eukaryotic translation initiation factor 2B subunit delta; minus strand). Cytogenetic location: 2p23.3.
Variant type: single nucleotide variant.
Coding change: c.35C>T on transcript NM_001034116.2 (MANE Select); coding-DNA position 35, C replaced by T.
Protein change: p.Ser12Leu; replaces serine 12 with leucine.
Molecular consequence: missense variant. On other transcripts: 5 prime UTR variant (4).
Genome position (GRCh38, 1-based): chr2:27,369,916, G>A on the plus strand (C>T on the coding strand, the complement: EIF2B4 is on the minus strand). VCF-style: chr2-27369916-G-A. GRCh37 (hg19) VCF-style: chr2-27592783-G-A.
Other names: c.98C>T, p.Ser33Leu (NM_001318965.2, NM_172195.4); c.-11C>T (NM_001318966.2); c.-52C>T (NM_001318967.2); c.-481C>T (NM_001318968.2); c.-558C>T (NM_001318969.2); c.35C>T, p.Ser12Leu (NM_015636.4); short protein forms S33L, S12L.
Identifiers: ClinVar variation 1405203 (VCV001405203.5), dbSNP rs868834642, ClinGen allele CA346203932.